The following is an entry in ClinVar:

NM_152383.5(DIS3L2):c.1820T>A (p.Leu607Gln)

Gene: DIS3L2 (DIS3 like 3'-5' exoribonuclease 2; plus strand). Cytogenetic location: 2q37.1.
Variant type: single nucleotide variant.
Coding change: c.1820T>A on transcript NM_152383.5 (MANE Select); coding-DNA position 1820, T replaced by A.
Protein change: p.Leu607Gln; replaces leucine 607 with glutamine.
Molecular consequence: missense variant. On other transcripts: non-coding transcript variant (2), intron variant (1).
Genome position (GRCh38, 1-based): chr2:232,329,893, T>A. VCF-style: chr2-232329893-T-A. GRCh37 (hg19) VCF-style: chr2-233194603-T-A.
Other names: c.1582-13452T>A (NM_001257281.2); short protein forms L607Q.
Identifiers: ClinVar variation 2984896 (VCV002984896.3), dbSNP rs2106348015, ClinGen allele CA350976086.
Genomic context (GRCh38, chr2:232,329,893, plus strand): 5'-TCTTGGCCAACATGGCAGTGGCCCACAAGATCCACCGCGCCTTCCCCGAGCAGGCCCTGC[T>A]GCGCCGGCACCCCCCGCCCCAAACAAGGATGCTCAGTGACCTGGTGGAATTCTGCGACCA-3'
Protein context (NP_689596.4, residues 597-617): IHRAFPEQAL[Leu607Gln]RRHPPPQTRM

ClinVar aggregate classification (germline): Uncertain significance (1 of 4 stars; one submission).

Conditions:
Perlman syndrome (PRLMNS). Identifiers: Orphanet 2849, MedGen C0796113, MONDO:0009965, OMIM 267000.

Submission:

Labcorp Genetics (formerly Invitae), Labcorp
Classification: Uncertain significance for Perlman syndrome. Last evaluated: 2023-10-16. Review status: criteria provided, single submitter. Criteria: Invitae Variant Classification Sherloc (09022015). Collection method: clinical testing. Allele origin: germline.
Comment: This sequence change replaces leucine, which is neutral and non-polar, with glutamine, which is neutral and polar, at codon 607 of the DIS3L2 protein (p.Leu607Gln). This variant is not present in population databases (gnomAD no frequency). This variant has not been reported in the literature in individuals affected with DIS3L2-related conditions. Advanced modeling of protein sequence and biophysical properties (such as structural, functional, and spatial information, amino acid conservation, physicochemical variation, residue mobility, and thermodynamic stability) performed at Invitae indicates that this missense variant is expected to disrupt DIS3L2 protein function. In summary, the available evidence is currently insufficient to determine the role of this variant in disease. Therefore, it has been classified as a Variant of Uncertain Significance.